The following is an entry in ClinVar:

NM_201384.3(PLEC):c.5221C>T (p.Arg1741Cys)

Gene: PLEC (plectin; minus strand). Cytogenetic location: 8q24.3.
Variant type: single nucleotide variant.
Coding change: c.5221C>T on transcript NM_201384.3 (MANE Select); coding-DNA position 5221, C replaced by T.
Protein change: p.Arg1741Cys; replaces arginine 1741 with cysteine.
Molecular consequence: missense variant.
Genome position (GRCh38, 1-based): chr8:143,924,708, G>A on the plus strand (C>T on the coding strand, the complement: PLEC is on the minus strand). VCF-style: chr8-143924708-G-A. GRCh37 (hg19) VCF-style: chr8-144998876-G-A.
Other names: c.5302C>T, p.Arg1768Cys (NM_000445.5); c.5179C>T, p.Arg1727Cys (NM_201378.4); c.5155C>T, p.Arg1719Cys (NM_201379.3); c.5632C>T, p.Arg1878Cys (NM_201380.4); c.5125C>T, p.Arg1709Cys (NM_201381.3); c.5221C>T, p.Arg1741Cys (NM_201382.4); c.5233C>T, p.Arg1745Cys (NM_201383.3); short protein forms R1719C, R1727C, R1709C, R1745C, R1768C, R1878C, R1741C.
Identifiers: ClinVar variation 2083219 (VCV002083219.6), dbSNP rs901180742, ClinGen allele CA187616143.
Genomic context (GRCh38, chr8:143,924,708, plus strand): 5'-GCACCTTGGCCAGCTCGGCTTCCAGCTCCTGCCGTTTCTGCGTGGCTGCAGCCGCCTCAC[G>A]CTGCAGCCGGGCCAGCTCCTCCTCCAGCAGCTGCCGCTGCTGCTCCCCCTGCTCCGTCTC-3'
Protein context (NP_958786.1, residues 1731-1751): LLEEELARLQ[Arg1741Cys]EAAAATQKRQ

ClinVar aggregate classification (germline): Uncertain significance. Review status: criteria provided, multiple submitters, no conflicts (2 of 4 stars). 2 submissions from 2 submitters: Uncertain significance (2). Last evaluated 2025-10-03.

Conditions:
Epidermolysis bullosa simplex 5C, with pyloric atresia (EBS5C). Also called: PLEC-Related Epidermolysis Bullosa with Pyloric Atresia; Epidermolysis bullosa simplex with pyloric atresia; PLEC1-Related Epidermolysis Bullosa with Pyloric Atresia. Identifiers: Orphanet 158684, MedGen C2677349, MONDO:0012807, OMIM 612138.
Epidermolysis bullosa simplex with nail dystrophy (EBS5D). Identifiers: MedGen C4225309, MONDO:0014661, OMIM 616487.
Epidermolysis bullosa simplex 5B, with muscular dystrophy (EBS5B). Also called: EPIDERMOLYSIS BULLOSA SIMPLEX AND LIMB-GIRDLE MUSCULAR DYSTROPHY; Epidermolysis bullosa simplex with muscular dystrophy. Identifiers: Orphanet 257, MedGen C2931072, MONDO:0009181, OMIM 226670.
Epidermolysis bullosa simplex, Ogna type (EBS5A). Also called: Pidermolysis bullosa simplex 5A, Ogna type; EPIDERMOLYSIS BULLOSA SIMPLEX 5A, OGNA TYPE. Identifiers: Orphanet 79401, MedGen C0432317, MONDO:0007555, OMIM 131950.
Autosomal recessive limb-girdle muscular dystrophy type 2Q (LGMDR17). Also called: MUSCULAR DYSTROPHY, LIMB-GIRDLE, AUTOSOMAL RECESSIVE 17. Identifiers: Orphanet 254361, MedGen C3150989, MONDO:0013390, OMIM 613723.

Allele frequency attached by ClinVar (database versions not stated): gnomAD exomes 0.00002; gnomAD 0.00003; TOPMed 0.00005.
gnomAD v4.1: 30 of 1,533,552 alleles (0.002%); highest among the groups gnomAD compares: East Asian, 0.02%; no homozygotes.

Submissions (2):

Labcorp Genetics (formerly Invitae), Labcorp
Classification: Uncertain significance for Autosomal recessive limb-girdle muscular dystrophy type 2Q; Epidermolysis bullosa simplex, Ogna type; Epidermolysis bullosa simplex with nail dystrophy; Epidermolysis bullosa simplex 5C, with pyloric atresia; Epidermolysis bullosa simplex 5B, with muscular dystrophy. Last evaluated: 2025-10-03. Review status: criteria provided, single submitter. Criteria: Invitae Variant Classification Sherloc (09022015). Collection method: clinical testing. Allele origin: germline.
Comment: This sequence change replaces arginine, which is basic and polar, with cysteine, which is neutral and slightly polar, at codon 1768 of the PLEC protein (p.Arg1768Cys). This variant is present in population databases (no rsID available, gnomAD 0.02%). This variant has not been reported in the literature in individuals affected with PLEC-related conditions. ClinVar contains an entry for this variant (Variation ID: 2083219). Experimental studies and prediction algorithms are not available or were not evaluated, and the functional significance of this variant is currently unknown. In summary, the available evidence is currently insufficient to determine the role of this variant in disease. Therefore, it has been classified as a Variant of Uncertain Significance.

Revvity Omics, Revvity
Classification: Uncertain significance. Last evaluated: 2023-06-20. Review status: criteria provided, single submitter. Criteria: ACMG Guidelines, 2015. Collection method: clinical testing. Allele origin: germline.